The following is an entry in ClinVar:

NM_012330.4(KAT6B):c.673T>G (p.Ser225Ala)

Gene: KAT6B (lysine acetyltransferase 6B; plus strand). Cytogenetic location: 10q22.2.
Variant type: single nucleotide variant.
Coding change: c.673T>G on transcript NM_012330.4 (MANE Select); coding-DNA position 673, T replaced by G.
Protein change: p.Ser225Ala; replaces serine 225 with alanine.
Molecular consequence: missense variant.
Genome position (GRCh38, 1-based): chr10:74,960,021, T>G. VCF-style: chr10-74960021-T-G. GRCh37 (hg19) VCF-style: chr10-76719779-T-G.
Other names: c.673T>G, p.Ser225Ala (NM_001256468.2, NM_001256469.2, NM_001370132.1 and 10 more transcripts); c.135T>G, p.Asn45Lys (NM_001370134.1, NM_001370135.1); short protein forms N45K, S225A.
Identifiers: ClinVar variation 1715904 (VCV001715904.6), dbSNP rs2548879274, ClinGen allele CA377280007.

ClinVar aggregate classification (germline): Uncertain significance (1 of 4 stars; one submission).

Conditions:
Genitopatellar syndrome (GTPTS). Also called: Genitopatellar syndrome (GPS); ABSENT PATELLAE, SCROTAL HYPOPLASIA, RENAL ANOMALIES, FACIAL DYSMORPHISM, AND MENTAL RETARDATION. Identifiers: Orphanet 85201, MedGen C1853566, MONDO:0011640, OMIM 606170.

Submission:

Labcorp Genetics (formerly Invitae), Labcorp
Classification: Uncertain significance for Genitopatellar syndrome. Last evaluated: 2022-08-31. Review status: criteria provided, single submitter. Criteria: Invitae Variant Classification Sherloc (09022015). Collection method: clinical testing. Allele origin: germline.
Comment: In summary, the available evidence is currently insufficient to determine the role of this variant in disease. Therefore, it has been classified as a Variant of Uncertain Significance. Algorithms developed to predict the effect of missense changes on protein structure and function are either unavailable or do not agree on the potential impact of this missense change (SIFT: "Tolerated"; PolyPhen-2: "Probably Damaging"; Align-GVGD: "Class C0"). This variant has not been reported in the literature in individuals affected with KAT6B-related conditions. This variant is not present in population databases (gnomAD no frequency). This sequence change replaces serine, which is neutral and polar, with alanine, which is neutral and non-polar, at codon 225 of the KAT6B protein (p.Ser225Ala).